The following is an entry in ClinVar:

NM_001379286.1(ZNF423):c.2882G>A (p.Arg961Gln)

Gene: ZNF423 (zinc finger protein 423; minus strand). Cytogenetic location: 16q12.1.
Variant type: single nucleotide variant.
Coding change: c.2882G>A on transcript NM_001379286.1 (MANE Select); coding-DNA position 2882, G replaced by A.
Protein change: p.Arg961Gln; replaces arginine 961 with glutamine.
Molecular consequence: missense variant.
Genome position (GRCh38, 1-based): chr16:49,636,294, C>T on the plus strand (G>A on the coding strand, the complement: ZNF423 is on the minus strand). VCF-style: chr16-49636294-C-T. GRCh37 (hg19) VCF-style: chr16-49670205-C-T.
Other names: c.2678G>A, p.Arg893Gln (NM_001271620.2); c.2507G>A, p.Arg836Gln (NM_001330533.2); c.2858G>A, p.Arg953Gln (NM_015069.5); c.2858G>A (NM_015069.2); short protein forms R836Q, R893Q, R953Q, R961Q.
Identifiers: ClinVar variation 1014219 (VCV001014219.5), dbSNP rs750544885, ClinGen allele CA8046412.

ClinVar aggregate classification (germline): Uncertain significance. Review status: criteria provided, multiple submitters, no conflicts (2 of 4 stars). 2 submissions from 2 submitters: Uncertain significance (2). Last evaluated 2023-12-27.

Conditions:
Nephronophthisis 14 (NPHP14). Identifiers: Orphanet 2318, MedGen C3539071, MONDO:0013916, OMIM 614844.

Allele frequency attached by ClinVar (database versions not stated): gnomAD 0.00001; TOPMed 0.00001; gnomAD exomes 0.00004; ExAC 0.00005.
gnomAD v4.1: 170 of 1,612,680 alleles (0.011%); highest among the groups gnomAD compares: Middle Eastern, 0.049%; no homozygotes.

Submissions (2):

Ambry Genetics
Classification: Uncertain significance. Last evaluated: 2023-12-27. Review status: criteria provided, single submitter. Criteria: Ambry Variant Classification Scheme 2023. Collection method: clinical testing. Allele origin: germline.

Labcorp Genetics (formerly Invitae), Labcorp
Classification: Uncertain significance for Nephronophthisis 14. Last evaluated: 2023-11-13. Review status: criteria provided, single submitter. Criteria: Invitae Variant Classification Sherloc (09022015). Collection method: clinical testing. Allele origin: germline.
Comment: This sequence change replaces arginine, which is basic and polar, with glutamine, which is neutral and polar, at codon 953 of the ZNF423 protein (p.Arg953Gln). This variant is present in population databases (rs750544885, gnomAD 0.008%). This variant has not been reported in the literature in individuals affected with ZNF423-related conditions. ClinVar contains an entry for this variant (Variation ID: 1014219). Advanced modeling of protein sequence and biophysical properties (such as structural, functional, and spatial information, amino acid conservation, physicochemical variation, residue mobility, and thermodynamic stability) performed at Invitae indicates that this missense variant is not expected to disrupt ZNF423 protein function with a negative predictive value of 80%. In summary, the available evidence is currently insufficient to determine the role of this variant in disease. Therefore, it has been classified as a Variant of Uncertain Significance.